The following is an entry in ClinVar:

NM_001135556.2(DYNC1I1):c.724G>C (p.Glu242Gln)

Gene: DYNC1I1 (dynein cytoplasmic 1 intermediate chain 1; plus strand). Cytogenetic location: 7q21.3.
Variant type: single nucleotide variant.
Coding change: c.724G>C on transcript NM_001135556.2 (MANE Select); coding-DNA position 724, G replaced by C.
Protein change: p.Glu242Gln; replaces glutamic acid 242 with glutamine.
Molecular consequence: missense variant.
Genome position (GRCh38, 1-based): chr7:95,984,958, G>C. VCF-style: chr7-95984958-G-C. GRCh37 (hg19) VCF-style: chr7-95614270-G-C.
Other names: c.664G>C, p.Glu222Gln (NM_001135557.2, NM_001278422.2); c.715G>C, p.Glu239Gln (NM_001278421.2); c.775G>C, p.Glu259Gln (NM_004411.5); short protein forms E239Q, E259Q, E242Q, E222Q.
Identifiers: ClinVar variation 3647459 (VCV003647459.2).

ClinVar aggregate classification (germline): Uncertain significance (1 of 4 stars; one submission).

Submission:

Labcorp Genetics (formerly Invitae), Labcorp
Classification: Uncertain significance. Last evaluated: 2024-03-30. Review status: criteria provided, single submitter. Criteria: Invitae Variant Classification Sherloc (09022015). Collection method: clinical testing. Allele origin: germline.
Comment: This sequence change replaces glutamic acid, which is acidic and polar, with glutamine, which is neutral and polar, at codon 259 of the DYNC1I1 protein (p.Glu259Gln). This variant is not present in population databases (gnomAD no frequency). This variant has not been reported in the literature in individuals affected with DYNC1I1-related conditions. An algorithm developed to predict the effect of missense changes on protein structure and function (PolyPhen-2) suggests that this variant is likely to be tolerated. In summary, the available evidence is currently insufficient to determine the role of this variant in disease. Therefore, it has been classified as a Variant of Uncertain Significance.